The following is an entry in ClinVar:

NC_000002.12:g.(?_166009699)_(166015748_?)del

Gene: SCN1A (sodium voltage-gated channel alpha subunit 1; minus strand). Cytogenetic location: 2q24.3.
Variant type: Deletion.
Identifiers: ClinVar variation 831474 (VCV000831474.3).

ClinVar aggregate classification (germline): Pathogenic (1 of 4 stars; one submission).

Conditions:
Developmental and epileptic encephalopathy. Identifiers: MedGen C5779964, MONDO:0100620.

Submission:

Labcorp Genetics (formerly Invitae), Labcorp
Classification: Pathogenic for Early-infantile DEE. Last evaluated: 2021-09-08. Review status: criteria provided, single submitter. Criteria: Invitae Variant Classification Sherloc (09022015). Collection method: clinical testing. Allele origin: germline.
Comment: This variant is a gross deletion of the genomic region encompassing exon(s) 17-20 of the SCN1A gene. This variant would be expected to be in-frame, preserving the integrity of the reading frame. A similar copy number variant has been observed in individual(s) with Dravet syndrome (PMID: 26339958). The region of the SCN1A gene that includes exon(s) exon(s) 17-18 has been determined to be clinically significant (PMID: 21248271). Therefore, deletions that encompass that region are likely to be disease-causing. For these reasons, this variant has been classified as Pathogenic.

Literature cited by the submitters: PubMed 26339958; PubMed 21248271.